The following is an entry in ClinVar:

NM_016955.4(SEPSECS):c.612dup (p.Val205fs)

Gene: SEPSECS (Sep (O-phosphoserine) tRNA:Sec (selenocysteine) tRNA synthase; minus strand). Cytogenetic location: 4p15.2.
Variant type: Duplication.
Coding change: c.612dup on transcript NM_016955.4 (MANE Select); coding-DNA position 612, one base duplicated (A; older notation c.612dupA).
Protein change: p.Val205fs; shifts the reading frame from valine 205.
Molecular consequence: frameshift variant.
Genome position (GRCh38, 1-based): chr4:25,155,087, T duplicated on the plus strand (A on the coding strand, the reverse complement: SEPSECS is on the minus strand). VCF-style (leftmost placement, unchanged base first): chr4-25155086-C-CT. GRCh37 (hg19) VCF-style: chr4-25156708-C-CT.
Other names: c.612dupA (NM_016955.3); short protein forms V205fs.
Identifiers: ClinVar variation 522119 (VCV000522119.8), dbSNP rs1553881510, ClinGen allele CA658796421.

ClinVar aggregate classification (germline): Pathogenic/Likely pathogenic. Review status: criteria provided, multiple submitters, no conflicts (2 of 4 stars). 3 submissions from 3 submitters: Pathogenic (2); Likely pathogenic (1). Last evaluated 2025-05-01.

Conditions:
Inborn genetic diseases. Identifiers: MedGen C0950123, MeSH D030342.
Pontocerebellar hypoplasia type 2D (PCH2D). Also called: Progressive cerebello-cerebral atrophy. Identifiers: Orphanet 247198, Orphanet 2524, MedGen C3151140, MONDO:0013438, OMIM 613811.

Allele frequency attached by ClinVar (database versions not stated): TOPMed below 0.00001.

Submissions (3):

Natera, Inc.
Classification: Likely pathogenic for Pontocerebellar hypoplasia type 2d. Last evaluated: 2025-05-01. Review status: criteria provided, single submitter. Criteria: Natera Variant Classification Schema (03/2026). Collection method: clinical testing. Allele origin: germline.
Comment: The c.612dupA variant in SEPSECS is a frameshift variant predicted to shift the reading frame beginning at codon 205 and leads to a stop codon 4 codons downstream. This variant is expected to result in nonsense mediated decay, truncation, or a dysfunctional protein product. This variant is rare in the general population with a frequency below the threshold expected for the associated phenotype(s). Given the available evidence, this variant is classified as Likely Pathogenic.

Labcorp Genetics (formerly Invitae), Labcorp
Classification: Pathogenic. Last evaluated: 2023-05-05. Review status: criteria provided, single submitter. Criteria: Invitae Variant Classification Sherloc (09022015). Collection method: clinical testing. Allele origin: germline.
Comment: For these reasons, this variant has been classified as Pathogenic. ClinVar contains an entry for this variant (Variation ID: 522119). This variant has not been reported in the literature in individuals affected with SEPSECS-related conditions. This variant is not present in population databases (gnomAD no frequency). This sequence change creates a premature translational stop signal (p.Val205Serfs*4) in the SEPSECS gene. It is expected to result in an absent or disrupted protein product. Loss-of-function variants in SEPSECS are known to be pathogenic (PMID: 25558065, 25590979, 26115735).

Ambry Genetics
Classification: Pathogenic for Inborn genetic diseases. Last evaluated: 2017-10-18. Review status: criteria provided, single submitter. Criteria: Ambry exome assertion method (8-5-2015). Collection method: clinical testing. Allele origin: germline. Affected: yes. Observed: 1 variant allele.

Literature cited by the submitters: PubMed 25558065 (cited by Labcorp Genetics (formerly Invitae), Labcorp); PubMed 25590979 (cited by Labcorp Genetics (formerly Invitae), Labcorp); PubMed 26115735 (cited by Labcorp Genetics (formerly Invitae), Labcorp).